The following is an entry in ClinVar:

ClinVar aggregate classification (germline): Likely pathogenic (1 of 4 stars; one submission).

Submission:

CeGaT Center for Human Genetics Tuebingen
Classification: Likely pathogenic. Last evaluated: 2024-09-01. Review status: criteria provided, single submitter. Criteria: CeGaT Center For Human Genetics Tuebingen Variant Classification Criteria Version 2. Collection method: clinical testing. Allele origin: germline. Affected: yes. Observed: 1 variant allele.
Comment: COL1A1: PVS1:Strong, PM2, PS2:Moderate

NM_000088.4(COL1A1):c.2830-1G>C

Gene: COL1A1 (collagen type I alpha 1 chain; minus strand). Cytogenetic location: 17q21.33.
Variant type: single nucleotide variant.
Coding change: c.2830-1G>C on transcript NM_000088.4 (MANE Select); the canonical splice acceptor site of the intron before coding-DNA position 2830, G replaced by C.
Molecular consequence: splice acceptor variant.
Genome position (GRCh38, 1-based): chr17:50,189,276, C>G on the plus strand (G>C on the coding strand, the complement: COL1A1 is on the minus strand). VCF-style: chr17-50189276-C-G. GRCh37 (hg19) VCF-style: chr17-48266637-C-G.
Identifiers: ClinVar variation 3389703 (VCV003389703.14).